The following is an entry in ClinVar:

NM_001017979.3(RAB28):c.171A>C (p.Pro57=)

Gene: RAB28 (RAB28, member RAS oncogene family; minus strand). Cytogenetic location: 4p15.33.
Variant type: single nucleotide variant.
Coding change: c.171A>C on transcript NM_001017979.3 (MANE Select); coding-DNA position 171, A replaced by C.
Protein change: p.Pro57=; no amino-acid change (proline 57 retained).
Molecular consequence: synonymous variant.
Genome position (GRCh38, 1-based): chr4:13,479,431, T>G on the plus strand (A>C on the coding strand, the complement: RAB28 is on the minus strand). VCF-style: chr4-13479431-T-G. GRCh37 (hg19) VCF-style: chr4-13481055-T-G.
Other names: c.171A>C, p.Pro57= (NM_001159601.2, NM_004249.4).
Identifiers: ClinVar variation 1353112 (VCV001353112.4), dbSNP rs760134140, ClinGen allele CA2860206.

ClinVar aggregate classification (germline): Uncertain significance. Review status: criteria provided, multiple submitters, no conflicts (2 of 4 stars). 2 submissions from 2 submitters: Uncertain significance (2). Last evaluated 2022-07-11.

Allele frequency attached by ClinVar (database versions not stated): gnomAD exomes 0.00002 and 0.00003; ExAC 0.00003; gnomAD 0.00005; TOPMed 0.00005.
gnomAD v4.1: 47 of 1,585,812 alleles (0.003%); highest among the groups gnomAD compares: Middle Eastern, 0.033%; no homozygotes.

Submissions (2):

Labcorp Genetics (formerly Invitae), Labcorp
Classification: Uncertain significance. Last evaluated: 2022-07-11. Review status: criteria provided, single submitter. Criteria: Invitae Variant Classification Sherloc (09022015). Collection method: clinical testing. Allele origin: germline.
Comment: This sequence change affects codon 57 of the RAB28 mRNA. It is a 'silent' change, meaning that it does not change the encoded amino acid sequence of the RAB28 protein. It affects a nucleotide within the consensus splice site. This variant is present in population databases (rs760134140, gnomAD 0.01%). This variant has not been reported in the literature in individuals affected with RAB28-related conditions. ClinVar contains an entry for this variant (Variation ID: 1353112). Algorithms developed to predict the effect of sequence changes on RNA splicing suggest that this variant is not likely to affect RNA splicing. In summary, the available evidence is currently insufficient to determine the role of this variant in disease. Therefore, it has been classified as a Variant of Uncertain Significance.

Blueprint Genetics
Classification: Uncertain significance. Last evaluated: 2021-09-28. Review status: criteria provided, single submitter. Criteria: ACMG Guidelines, 2015. Collection method: clinical testing. Allele origin: germline.